The following is an entry in ClinVar:

ClinVar aggregate classification (germline): Uncertain significance. Review status: criteria provided, multiple submitters, no conflicts (2 of 4 stars). 4 submissions from 4 submitters: Uncertain significance (4). Last evaluated 2025-08-09.

Conditions:
Hypertrophic cardiomyopathy. Also called: HYPERTROPHIC MYOCARDIOPATHY. Identifiers: Orphanet 217569, MedGen C0007194, MeSH D002312, MONDO:0005045, HP:0001639.
Cardiovascular phenotype. Identifiers: MedGen CN230736.
Cardiomyopathy (CMYO). Also called: Cardiomyopathies. Identifiers: Orphanet 167848, MedGen C0878544, MONDO:0004994, HP:0001638. Inheritance: Various modes of inheritance.

gnomAD v4.1: 2 of 1,613,862 alleles (0.00012%); highest among the groups gnomAD compares: Non-Finnish European, 0.00017%; no homozygotes.

Submissions (4):

Ambry Genetics
Classification: Uncertain significance for Cardiovascular phenotype. Last evaluated: 2025-08-09. Review status: criteria provided, single submitter. Criteria: Ambry Variant Classification Scheme 2023. Collection method: clinical testing. Allele origin: germline.
Comment: The p.H831Q variant (also known as c.2493T>G), located in coding exon 25 of the MYBPC3 gene, results from a T to G substitution at nucleotide position 2493. The histidine at codon 831 is replaced by glutamine, an amino acid with highly similar properties. This amino acid position is conserved. In addition, this alteration is predicted to be tolerated by in silico analysis. Based on the available evidence, the clinical significance of this variant remains unclear.

GeneDx
Classification: Uncertain significance. Last evaluated: 2025-03-27. Review status: criteria provided, single submitter. Criteria: GeneDx Variant Classification Process June 2021. Collection method: clinical testing. Allele origin: germline. Affected: yes.
Comment: Not observed at significant frequency in large population cohorts (gnomAD); In silico analysis supports that this missense variant has a deleterious effect on protein structure/function; Has not been previously published as pathogenic or benign to our knowledge

All of Us Research Program, National Institutes of Health
Classification: Uncertain significance for Hypertrophic cardiomyopathy. Last evaluated: 2024-04-25. Review status: criteria provided, single submitter. Criteria: ACMG Guidelines, 2015. Collection method: clinical testing. Allele origin: germline. Inheritance: Autosomal dominant inheritance. Observed: 1 variant allele, 1 heterozygote.
Comment: This missense variant replaces histidine with glutamine at codon 831 of the MYBPC3 protein. Computational prediction suggests that this variant may not impact protein structure and function (internally defined REVEL score threshold <= 0.5, PMID: 27666373). To our knowledge, functional studies have not been reported for this variant. This variant has not been reported in individuals affected with MYBPC3-related disorders in the literature. This variant has not been identified in the general population by the Genome Aggregation Database (gnomAD). The available evidence is insufficient to determine the role of this variant in disease conclusively. Therefore, this variant is classified as a Variant of Uncertain Significance.

This study involves interpretation of variants in research participants for the purpose of population health screening. Participant phenotype was not available at the time of variant classification. Additional details can be found in publication PMID: 35346344, PMCID: PMC8962531

Color Diagnostics, LLC DBA Color Health
Classification: Uncertain significance for Cardiomyopathy. Last evaluated: 2024-04-17. Review status: criteria provided, single submitter. Criteria: ACMG Guidelines, 2015. Collection method: clinical testing. Allele origin: germline.
Comment: This missense variant replaces histidine with glutamine at codon 831 of the MYBPC3 protein. Computational prediction suggests that this variant may not impact protein structure and function. To our knowledge, functional studies have not been reported for this variant. This variant has not been reported in individuals affected with MYBPC3-related disorders in the literature. This variant has not been identified in the general population by the Genome Aggregation Database (gnomAD). The available evidence is insufficient to determine the role of this variant in disease conclusively. Therefore, this variant is classified as a Variant of Uncertain Significance.

NM_000256.3(MYBPC3):c.2493T>G (p.His831Gln)

Gene: MYBPC3 (myosin binding protein C3; minus strand). Cytogenetic location: 11p11.2.
Variant type: single nucleotide variant.
Coding change: c.2493T>G on transcript NM_000256.3 (MANE Select); coding-DNA position 2493, T replaced by G.
Protein change: p.His831Gln; replaces histidine 831 with glutamine.
Molecular consequence: missense variant.
Genome position (GRCh38, 1-based): chr11:47,337,500, A>C on the plus strand (T>G on the coding strand, the complement: MYBPC3 is on the minus strand). VCF-style: chr11-47337500-A-C. GRCh37 (hg19) VCF-style: chr11-47359051-A-C.
Other names: short protein forms H831Q.
Identifiers: ClinVar variation 3387112 (VCV003387112.3).